The following is an entry in ClinVar:

NM_203303.3(ZCCHC13):c.10_11del (p.Lys4fs)

Gene: ZCCHC13 (zinc finger CCHC-type containing 13; plus strand). Cytogenetic location: Xq13.2.
Variant type: Deletion.
Coding change: c.10_11del on transcript NM_203303.3 (MANE Select); coding-DNA positions 10 to 11, 2 bases deleted (AA; older notation c.10_11delAA).
Protein change: p.Lys4fs; shifts the reading frame from lysine 4.
Molecular consequence: frameshift variant.
Genome position (GRCh38, 1-based): chrX:74,304,276-74,304,277, AA deleted. VCF-style (leftmost placement, unchanged base first): chrX-74304275-TAA-T. GRCh37 (hg19) VCF-style: chrX-73524110-TAA-T.
Other names: short protein forms K4fs.
Identifiers: ClinVar variation 3050854 (VCV003050854.2), dbSNP rs371218809, ClinGen allele CA10454240.

ClinVar aggregate classification (germline): Likely benign (0 of 4 stars; one submission).

Conditions:
ZCCHC13-related disorder. Also called: ZCCHC13-related condition.

Allele frequency attached by ClinVar (database versions not stated): gnomAD exomes 0.00014; ExAC 0.00097; 1000 Genomes Project 30x 0.00125; 1000 Genomes Project 0.00132; gnomAD 0.00155; TOPMed 0.00161; ESP Exome Variant Server 0.00196.

Submission:

PreventionGenetics, part of Exact Sciences
Classification: Likely benign for ZCCHC13-related condition. Last evaluated: 2022-05-27. Review status: no assertion criteria provided. Collection method: clinical testing. Allele origin: germline.
Comment: This variant is classified as likely benign based on ACMG/AMP sequence variant interpretation guidelines (Richards et al. 2015 PMID: 25741868, with internal and published modifications).